The following is an entry in ClinVar:

NM_000286.3(PEX12):c.31del (p.Ala11fs)

Gene: PEX12 (peroxisomal biogenesis factor 12; minus strand). Cytogenetic location: 17q12.
Variant type: Deletion.
Coding change: c.31del on transcript NM_000286.3 (MANE Select); coding-DNA position 31, one base deleted (G; older notation c.31delG).
Protein change: p.Ala11fs; shifts the reading frame from alanine 11.
Molecular consequence: frameshift variant.
Genome position (GRCh38, 1-based): chr17:35,577,991, C deleted on the plus strand (G on the coding strand, the reverse complement: PEX12 is on the minus strand). VCF-style (leftmost placement, unchanged base first): chr17-35577990-GC-G. GRCh37 (hg19) VCF-style: chr17-33905009-GC-G.
Other names: short protein forms A11fs.
Identifiers: ClinVar variation 847311 (VCV000847311.7), dbSNP rs1290469936, ClinGen allele CA499795523.

ClinVar aggregate classification (germline): Pathogenic (1 of 4 stars; one submission).

Conditions:
Peroxisome biogenesis disorder 3A (Zellweger). Also called: PEROXISOMAL BIOGENESIS DISORDER 3A (ZELLWEGER); Peroxisome biogenesis disorder 3A. Identifiers: Orphanet 912, MedGen C3553929, MONDO:0013927, OMIM 614859.

Allele frequency attached by ClinVar (database versions not stated): TOPMed below 0.00001; gnomAD 0.00001.

Submission:

Labcorp Genetics (formerly Invitae), Labcorp
Classification: Pathogenic for Peroxisome biogenesis disorder 3A (Zellweger). Last evaluated: 2022-07-23. Review status: criteria provided, single submitter. Criteria: Invitae Variant Classification Sherloc (09022015). Collection method: clinical testing. Allele origin: germline.
Comment: For these reasons, this variant has been classified as Pathogenic. ClinVar contains an entry for this variant (Variation ID: 847311). This variant has not been reported in the literature in individuals affected with PEX12-related conditions. This variant is not present in population databases (gnomAD no frequency). This sequence change creates a premature translational stop signal (p.Ala11Leufs*14) in the PEX12 gene. It is expected to result in an absent or disrupted protein product. Loss-of-function variants in PEX12 are known to be pathogenic (PMID: 9090384, 9632816, 21031596).

Literature cited by the submitters: PubMed 9090384; PubMed 9632816; PubMed 21031596.